The following is an entry in ClinVar:

ClinVar aggregate classification (germline): Uncertain significance (1 of 4 stars; one submission).

Conditions:
Catecholaminergic polymorphic ventricular tachycardia 1. Also called: VENTRICULAR TACHYCARDIA, CATECHOLAMINERGIC POLYMORPHIC, 1, WITH OR WITHOUT ATRIAL DYSFUNCTION AND/OR DILATED CARDIOMYOPATHY; VENTRICULAR TACHYCARDIA, STRESS-INDUCED POLYMORPHIC 1; RYR2-Related Catecholaminergic Polymorphic Ventricular Tachycardia. Identifiers: Orphanet 3286, MedGen C1631597, MONDO:0011484, OMIM 604772.

Submission:

Labcorp Genetics (formerly Invitae), Labcorp
Classification: Uncertain significance for Catecholaminergic polymorphic ventricular tachycardia 1. Last evaluated: 2021-10-15. Review status: criteria provided, single submitter. Criteria: Invitae Variant Classification Sherloc (09022015). Collection method: clinical testing. Allele origin: germline.
Comment: Nucleotide substitutions within the consensus splice site are a relatively common cause of aberrant splicing (PMID: 17576681, 9536098). Algorithms developed to predict the effect of sequence changes on RNA splicing suggest that this variant is not likely to affect RNA splicing, but this prediction has not been confirmed by published transcriptional studies. This variant has not been reported in the literature in individuals with RYR2-related conditions. This variant is not present in population databases (ExAC no frequency). This sequence change falls in intron 46 of the RYR2 gene. It does not directly change the encoded amino acid sequence of the RYR2 protein, but it affects a nucleotide within the consensus splice site of the intron. In summary, the available evidence is currently insufficient to determine the role of this variant in disease. Therefore, it has been classified as a Variant of Uncertain Significance.

Literature cited by the submitters: PubMed 17576681; PubMed 9536098.

NM_001035.3(RYR2):c.7115+4G>T

Gene: RYR2 (ryanodine receptor 2; plus strand). Cytogenetic location: 1q43.
Variant type: single nucleotide variant.
Coding change: c.7115+4G>T on transcript NM_001035.3 (MANE Select); 4 bases into the intron after coding-DNA position 7115, G replaced by T.
Molecular consequence: intron variant.
Genome position (GRCh38, 1-based): chr1:237,639,205, G>T. VCF-style: chr1-237639205-G-T. GRCh37 (hg19) VCF-style: chr1-237802505-G-T.
Identifiers: ClinVar variation 851287 (VCV000851287.9), dbSNP rs1681194479, ClinGen allele CA916082158.